The following is an entry in ClinVar:

NM_018089.3(ANKZF1):c.820-1G>C

Gene: ANKZF1 (ankyrin repeat and zinc finger peptidyl tRNA hydrolase 1; plus strand). Cytogenetic location: 2q35.
Variant type: single nucleotide variant.
Coding change: c.820-1G>C on transcript NM_018089.3 (MANE Select); the canonical splice acceptor site of the intron before coding-DNA position 820, G replaced by C.
Molecular consequence: splice acceptor variant.
Genome position (GRCh38, 1-based): chr2:219,233,714, G>C. VCF-style: chr2-219233714-G-C. GRCh37 (hg19) VCF-style: chr2-220098436-G-C.
Other names: c.820-1G>C (NM_001042410.2); c.190-1G>C (NM_001282792.2).
Identifiers: ClinVar variation 2876582 (VCV002876582.3), dbSNP rs2544920378, ClinGen allele CA350676794.

ClinVar aggregate classification (germline): Uncertain significance (1 of 4 stars; one submission).

Submission:

Labcorp Genetics (formerly Invitae), Labcorp
Classification: Uncertain significance. Last evaluated: 2022-12-12. Review status: criteria provided, single submitter. Criteria: Invitae Variant Classification Sherloc (09022015). Collection method: clinical testing. Allele origin: germline.
Comment: In summary, the available evidence is currently insufficient to determine the role of this variant in disease. Therefore, it has been classified as a Variant of Uncertain Significance. Algorithms developed to predict the effect of sequence changes on RNA splicing suggest that this variant may disrupt the consensus splice site. This variant has not been reported in the literature in individuals affected with ANKZF1-related conditions. This variant is not present in population databases (gnomAD no frequency). This sequence change affects an acceptor splice site in intron 7 of the ANKZF1 gene. It is expected to disrupt RNA splicing. Variants that disrupt the donor or acceptor splice site typically lead to a loss of protein function (PMID: 16199547), however the current clinical and genetic evidence is not sufficient to establish whether loss-of-function variants in ANKZF1 cause disease.

Literature cited by the submitters: PubMed 16199547.